The following is an entry in ClinVar:

ClinVar aggregate classification (germline): Uncertain significance. Review status: criteria provided, multiple submitters, no conflicts (2 of 4 stars). 2 submissions from 2 submitters: Uncertain significance (2). Last evaluated 2024-02-01.

Allele frequency attached by ClinVar (database versions not stated): gnomAD exomes below 0.00001.
gnomAD v4.1: 4 of 1,592,504 alleles (0.00025%); highest among the groups gnomAD compares: Middle Eastern, 0.017%; no homozygotes.

Submissions (2):

CeGaT Center for Human Genetics Tuebingen
Classification: Uncertain significance. Last evaluated: 2024-02-01. Review status: criteria provided, single submitter. Criteria: CeGaT Center For Human Genetics Tuebingen Variant Classification Criteria Version 2. Collection method: clinical testing. Allele origin: germline. Affected: yes. Observed: 1 variant allele.
Comment: CPLANE1: PM2, BP4

Labcorp Genetics (formerly Invitae), Labcorp
Classification: Uncertain significance. Last evaluated: 2022-01-04. Review status: criteria provided, single submitter. Criteria: Invitae Variant Classification Sherloc (09022015). Collection method: clinical testing. Allele origin: germline.
Comment: In summary, the available evidence is currently insufficient to determine the role of this variant in disease. Therefore, it has been classified as a Variant of Uncertain Significance. Advanced modeling of protein sequence and biophysical properties (such as structural, functional, and spatial information, amino acid conservation, physicochemical variation, residue mobility, and thermodynamic stability) performed at Invitae indicates that this missense variant is not expected to disrupt CPLANE1 protein function. This variant has not been reported in the literature in individuals affected with CPLANE1-related conditions. This variant is present in population databases (no rsID available, gnomAD no frequency). This sequence change replaces isoleucine, which is neutral and non-polar, with valine, which is neutral and non-polar, at codon 1806 of the CPLANE1 protein (p.Ile1806Val).

NM_001384732.1(CPLANE1):c.5416A>G (p.Ile1806Val)

Gene: CPLANE1 (ciliogenesis and planar polarity effector complex subunit 1; minus strand). Cytogenetic location: 5p13.2.
Variant type: single nucleotide variant.
Coding change: c.5416A>G on transcript NM_001384732.1 (MANE Select); coding-DNA position 5416, A replaced by G.
Protein change: p.Ile1806Val; replaces isoleucine 1806 with valine.
Molecular consequence: missense variant.
Genome position (GRCh38, 1-based): chr5:37,182,765, T>C on the plus strand (A>G on the coding strand, the complement: CPLANE1 is on the minus strand). VCF-style: chr5-37182765-T-C. GRCh37 (hg19) VCF-style: chr5-37182867-T-C.
Other names: c.5416A>G, p.Ile1806Val (NM_023073.4); short protein forms I1806V.
Identifiers: ClinVar variation 1415163 (VCV001415163.31), dbSNP rs1472917516, ClinGen allele CA359491484.